The following is an entry in ClinVar:

ClinVar aggregate classification (germline): Conflicting classifications of pathogenicity. Review status: criteria provided, conflicting classifications (1 of 4 stars). 2 submissions from 2 submitters: Uncertain significance (1); Likely benign (1). Last evaluated 2024-12-12.

Conditions:
Hereditary cancer-predisposing syndrome. Also called: Hereditary Cancer Syndrome; Hereditary neoplastic syndrome; Neoplastic Syndromes, Hereditary; Tumor predisposition. Identifiers: Orphanet 140162, MedGen C0027672, MeSH D009386, MONDO:0015356.
Familial meningioma. Also called: Meningioma, familial, susceptibility to. Identifiers: Orphanet 263662, MedGen C3551915, MONDO:0011789, OMIM 607174.

Allele frequency attached by ClinVar (database versions not stated): gnomAD exomes below 0.00001; TOPMed 0.00001.
gnomAD v4.1: 1 of 1,613,440 alleles (0.000062%); highest among the groups gnomAD compares: Admixed American, 0.0017%; no homozygotes.

Submissions (2):

Labcorp Genetics (formerly Invitae), Labcorp
Classification: Uncertain significance for Familial meningioma. Last evaluated: 2024-12-12. Review status: criteria provided, single submitter. Criteria: Invitae Variant Classification Sherloc (09022015). Collection method: clinical testing. Allele origin: germline.
Comment: This sequence change replaces isoleucine, which is neutral and non-polar, with methionine, which is neutral and non-polar, at codon 404 of the SMARCE1 protein (p.Ile404Met). This variant is present in population databases (no rsID available, gnomAD 0.003%). This variant has not been reported in the literature in individuals affected with SMARCE1-related conditions. ClinVar contains an entry for this variant (Variation ID: 407074). An algorithm developed to predict the effect of missense changes on protein structure and function outputs the following: PolyPhen-2: "Not Available". The methionine amino acid residue is found in multiple mammalian species, which suggests that this missense change does not adversely affect protein function. In summary, the available evidence is currently insufficient to determine the role of this variant in disease. Therefore, it has been classified as a Variant of Uncertain Significance.

Ambry Genetics
Classification: Likely benign for Hereditary cancer-predisposing syndrome. Last evaluated: 2024-04-22. Review status: criteria provided, single submitter. Criteria: Ambry Variant Classification Scheme 2023. Collection method: clinical testing. Allele origin: germline.

NM_003079.5(SMARCE1):c.1212A>G (p.Ile404Met)

Gene: SMARCE1 (SWI/SNF related BAF chromatin remodeling complex subunit E1; minus strand). Cytogenetic location: 17q21.2.
Variant type: single nucleotide variant.
Coding change: c.1212A>G on transcript NM_003079.5 (MANE Select); coding-DNA position 1212, A replaced by G.
Protein change: p.Ile404Met; replaces isoleucine 404 with methionine.
Molecular consequence: missense variant.
Genome position (GRCh38, 1-based): chr17:40,628,809, T>C on the plus strand (A>G on the coding strand, the complement: SMARCE1 is on the minus strand). VCF-style: chr17-40628809-T-C. GRCh37 (hg19) VCF-style: chr17-38785061-T-C.
Other names: short protein forms I404M.
Identifiers: ClinVar variation 407074 (VCV000407074.12), dbSNP rs1060501396, ClinGen allele CA16615343.